The following is an entry in ClinVar:

NM_001458.5(FLNC):c.1032C>T (p.Val344=)

Gene: FLNC (filamin C; plus strand). Cytogenetic location: 7q32.1.
Variant type: single nucleotide variant.
Coding change: c.1032C>T on transcript NM_001458.5 (MANE Select); coding-DNA position 1032, C replaced by T.
Protein change: p.Val344=; no amino-acid change (valine 344 retained).
Molecular consequence: synonymous variant.
Genome position (GRCh38, 1-based): chr7:128,838,049, C>T. VCF-style: chr7-128838049-C-T. GRCh37 (hg19) VCF-style: chr7-128478103-C-T.
Other names: p.Val344=; c.1032C>T, p.Val344= (NM_001127487.2).
Identifiers: ClinVar variation 129078 (VCV000129078.28), dbSNP rs2291562, ClinGen allele CA152826.
Genomic context (GRCh38, chr7:128,838,049, plus strand): 5'-TAAGGTGGTTCCCAACAATGACAAGGATCGCACCTATGCTGTCTCCTATGTGCCCAAGGT[C>T]GCTGGGTTACACAAGGTATCTCCCTCTAGGCCCCCCTGCCTGCGCTGCTCTTCACATCCT-3'
Protein context (NP_001449.3, residues 334-354): RTYAVSYVPK[Val344=]AGLHKVTVLF

ClinVar aggregate classification (germline): Benign. Review status: criteria provided, multiple submitters, no conflicts (2 of 4 stars). 13 submissions from 13 submitters: Benign (11). 2 of the submissions do not count toward it. Last evaluated 2026-02-04.

Conditions:
Distal myopathy with posterior leg and anterior hand involvement. Also called: WILLIAMS DISTAL MYOPATHY. Identifiers: Orphanet 63273, MedGen C3279722, MONDO:0013550, OMIM 614065.
Myofibrillar myopathy 5. Also called: Filaminopathy (type); FILAMINOPATHY, AUTOSOMAL DOMINANT. Identifiers: Orphanet 171445, MedGen C1836050, MONDO:0012289, OMIM 609524.
Hypertrophic cardiomyopathy 26. Also called: Cardiomyopathy, familial hypertrophic, 26. Identifiers: Orphanet 75249, MedGen C4310749, MONDO:0014883, OMIM 617047.
Cardiovascular phenotype. Identifiers: MedGen CN230736.

Allele frequency attached by ClinVar (database versions not stated): TOPMed 0.13665; 1000 Genomes Project 0.19649; 1000 Genomes Project 30x 0.20128; gnomAD exomes 0.05511 and 0.09573; ExAC 0.09870; ESP Exome Variant Server 0.11470; gnomAD 0.12206 and 0.12222.
gnomAD v4.1: 99,666 of 1,613,168 alleles (6.2%); highest among the groups gnomAD compares: East Asian, 29%; 7,043 homozygotes.

Submissions (13):

Labcorp Genetics (formerly Invitae), Labcorp
Classification: Benign for Distal myopathy with posterior leg and anterior hand involvement; Myofibrillar myopathy 5; Hypertrophic cardiomyopathy 26. Last evaluated: 2026-02-04. Review status: criteria provided, single submitter. Criteria: Invitae Variant Classification Sherloc (09022015). Collection method: clinical testing. Allele origin: germline.

Molecular Diagnostic Laboratory for Inherited Cardiovascular Disease, Montreal Heart Institute
Classification: Benign. Last evaluated: 2025-04-09. Review status: criteria provided, single submitter. Criteria: ACMG Guidelines, 2015. Collection method: clinical testing. Allele origin: germline. Affected: no.

Women's Health and Genetics/Laboratory Corporation of America, LabCorp
Classification: Benign. Last evaluated: 2023-04-10. Review status: criteria provided, single submitter. Criteria: LabCorp Variant Classification Summary - May 2015. Collection method: clinical testing. Allele origin: germline.

Mayo Clinic Laboratories, Mayo Clinic
Classification: Benign. Last evaluated: 2022-04-26. Review status: criteria provided, single submitter. Criteria: ACMG Guidelines, 2015. Collection method: clinical testing. Allele origin: germline. Observed: 264 variant alleles.

Ambry Genetics
Classification: Benign for Cardiovascular phenotype. Last evaluated: 2018-12-26. Review status: criteria provided, single submitter. Criteria: Ambry Variant Classification Scheme 2023. Collection method: clinical testing. Allele origin: germline.

Athena Diagnostics
Classification: Benign. Last evaluated: 2017-12-13. Review status: criteria provided, single submitter. Criteria: Athena Diagnostics Criteria. Collection method: clinical testing. Allele origin: germline.

GeneDx
Classification: Benign. Last evaluated: 2016-02-12. Review status: criteria provided, single submitter. Criteria: GeneDx Variant Classification (06012015). Collection method: clinical testing. Allele origin: germline. Affected: yes.
Comment: This variant is considered likely benign or benign based on one or more of the following criteria: it is a conservative change, it occurs at a poorly conserved position in the protein, it is predicted to be benign by multiple in silico algorithms, and/or has population frequency not consistent with disease.

Laboratory for Molecular Medicine, Mass General Brigham Personalized Medicine
Classification: Benign. Last evaluated: 2015-01-13. Review status: criteria provided, single submitter. Criteria: LMM Criteria. Collection method: clinical testing. Allele origin: germline. Observed: 3 variant alleles.
Comment: p.Val344Val in exon 6 of FLNC: This variant is not expected to have clinical sig nificance because it does not alter an amino acid residue and is not located wit hin the splice consensus sequence. It has been identified in 26.2% (1108/4224) o f African American chromosomes from a broad population by the NHLBI Exome Sequen cing Project (dbSNP rs2291562).

Genetic Services Laboratory, University of Chicago
Classification: Benign for AllHighlyPenetrant. Last evaluated: 2013-08-15. Review status: criteria provided, single submitter. Criteria: ACMG Guidelines, 2007. Collection method: clinical testing. Allele origin: germline. Inheritance: Autosomal dominant inheritance.

Breakthrough Genomics
Classification: Benign. Review status: criteria provided, single submitter. Criteria: ACMG Guidelines, 2015. Collection method: not provided. Allele origin: germline. Inheritance: Autosomal dominant inheritance. Affected: yes.

PreventionGenetics, part of Exact Sciences
Classification: Benign. Review status: criteria provided, single submitter. Criteria: ACMG Guidelines, 2015. Collection method: clinical testing. Allele origin: germline.

Clinical Genetics, Academic Medical Center
Classification: Benign. Review status: no assertion criteria provided. Collection method: clinical testing. Allele origin: germline. Affected: yes. Study: VKGL Data-share Consensus. Not counted in ClinVar's aggregate classification.

Joint Genome Diagnostic Labs from Nijmegen and Maastricht, Radboudumc and MUMC+
Classification: Benign. Review status: no assertion criteria provided. Collection method: clinical testing. Allele origin: germline. Affected: yes. Study: VKGL Data-share Consensus. Not counted in ClinVar's aggregate classification.